The following is an entry in ClinVar:

NM_015294.6(TRIM37):c.2577-7C>G

Gene: TRIM37 (tripartite motif containing 37; minus strand). Cytogenetic location: 17q22.
Variant type: single nucleotide variant.
Coding change: c.2577-7C>G on transcript NM_015294.6 (MANE Select); 7 bases into the intron before coding-DNA position 2577, C replaced by G.
Molecular consequence: intron variant.
Genome position (GRCh38, 1-based): chr17:59,012,453, G>C on the plus strand (C>G on the coding strand, the complement: TRIM37 is on the minus strand). VCF-style: chr17-59012453-G-C. GRCh37 (hg19) VCF-style: chr17-57089814-G-C.
Other names: c.2577-7C>G (NM_001320989.3, NM_001005207.5, NM_001320988.3 and 1 more transcripts); c.2115-7C>G (NM_001353085.2); c.2475-7C>G (NM_001320987.3, NM_001353082.2); c.2526-7C>G (NM_001353086.2); c.1842-7C>G (NM_001353083.2); c.2211-7C>G (NM_001320990.3).
Identifiers: ClinVar variation 281654 (VCV000281654.23), dbSNP rs199694001, ClinGen allele CA8678002.

ClinVar aggregate classification (germline): Benign/Likely benign. Review status: criteria provided, multiple submitters, no conflicts (2 of 4 stars). 6 submissions from 6 submitters: Benign (2); Likely benign (3). 1 of the submissions does not count toward it. Last evaluated 2026-01-25.

Conditions:
TRIM37-related disorder. Also called: TRIM37-related condition.
Mulibrey nanism syndrome. Also called: MUSCLE-LIVER-BRAIN-EYE NANISM; PERHEENTUPA SYNDROME; PERICARDIAL CONSTRICTION AND GROWTH FAILURE. Identifiers: Orphanet 2576, MedGen C0524582, MONDO:0009664, OMIM 253250.

Allele frequency attached by ClinVar (database versions not stated): gnomAD 0.00021 and 0.00044; ESP Exome Variant Server 0.00023; TOPMed 0.00027; gnomAD exomes 0.00145; ExAC 0.00146; 1000 Genomes Project 30x 0.00172; 1000 Genomes Project 0.00200.
gnomAD v4.1: 1,048 of 1,557,920 alleles (0.067%); highest among the groups gnomAD compares: South Asian, 0.77%; 8 homozygotes.

Submissions (8):

Labcorp Genetics (formerly Invitae), Labcorp
Classification: Benign. Last evaluated: 2026-01-25. Review status: criteria provided, single submitter. Criteria: Invitae Variant Classification Sherloc (09022015). Collection method: clinical testing. Allele origin: germline.

Fulgent Genetics
Classification: Likely benign for Mulibrey nanism syndrome. Last evaluated: 2021-09-20. Review status: criteria provided, single submitter. Criteria: ACMG Guidelines, 2015. Collection method: clinical testing. Allele origin: unknown.

Illumina Laboratory Services, Illumina
Classification: Likely benign for Mulibrey nanism syndrome. Last evaluated: 2018-01-13. Review status: criteria provided, single submitter. Criteria: ICSL Variant Classification Criteria 13 December 2019. Collection method: clinical testing. Allele origin: germline.
Comment: This variant was observed in the ICSL laboratory as part of a predisposition screen in an ostensibly healthy population. It had not been previously curated by ICSL or reported in the Human Gene Mutation Database (HGMD: prior to June 1st, 2018), and was therefore a candidate for classification through an automated scoring system. Utilizing variant allele frequency, disease prevalence and penetrance estimates, and inheritance mode, an automated score was calculated to assess if this variant is too frequent to cause the disease. Based on the score and internal cut-off values, a variant classified as likely benign is not then subjected to further curation. The score for this variant resulted in a classification of likely benign for this disease.

Eurofins Ntd Llc (ga)
Classification: Benign. Last evaluated: 2015-07-06. Review status: criteria provided, single submitter. Criteria: EGL Classification Definitions 2015. Collection method: clinical testing. Allele origin: germline. Observed: 1 variant allele, 1 heterozygote.

Breakthrough Genomics
Classification: Likely benign. Review status: criteria provided, single submitter. Criteria: ACMG Guidelines, 2015. Collection method: not provided. Allele origin: germline. Inheritance: Autosomal recessive inheritance. Affected: yes.

PreventionGenetics, part of Exact Sciences
Classification: Likely benign for TRIM37-related condition. Last evaluated: 2023-12-04. Review status: no assertion criteria provided. Collection method: clinical testing. Allele origin: germline. Not counted in ClinVar's aggregate classification.
Comment: This variant is classified as likely benign based on ACMG/AMP sequence variant interpretation guidelines (Richards et al. 2015 PMID: 25741868, with internal and published modifications).

Dr. Peter K. Rogan Lab, Western University
No classification provided (evidence only). Condition: Ovarian serous cystadenocarcinoma. Review status: no classification provided. Collection method: in vitro. Allele origin: not applicable. Functional consequence: retained intron. Not counted in ClinVar's aggregate classification.

Dr. Peter K. Rogan Lab, Western University
No classification provided (evidence only). Condition: Malignant tumor of esophagus. Review status: no classification provided. Collection method: in vitro. Allele origin: not applicable. Functional consequence: retained intron. Not counted in ClinVar's aggregate classification.